The following is an entry in ClinVar:

NM_006060.6(IKZF1):c.487C>T (p.His163Tyr)

Gene: IKZF1 (IKAROS family zinc finger 1; plus strand). Cytogenetic location: 7p12.2.
Variant type: single nucleotide variant.
Coding change: c.487C>T on transcript NM_006060.6 (MANE Select); coding-DNA position 487, C replaced by T.
Protein change: p.His163Tyr; replaces histidine 163 with tyrosine.
Molecular consequence: missense variant. On other transcripts: intron variant (6).
Genome position (GRCh38, 1-based): chr7:50,382,605, C>T. VCF-style: chr7-50382605-C-T. GRCh37 (hg19) VCF-style: chr7-50450303-C-T.
Other names: c.487C>T, p.His163Tyr (NM_001220765.3, NM_001220768.2, NM_001291837.2); c.226C>T, p.His76Tyr (NM_001220767.2, NM_001220770.2, NM_001291838.2 and 1 more transcripts); c.547C>T, p.His183Tyr (NM_001410879.1); c.421+5812C>T (NM_001220771.2); c.161-4740C>T (NM_001291841.1, NM_001291842.1); c.161-9124C>T (NM_001291843.1, NM_001291844.1); c.161-17313C>T (NM_001291840.1); short protein forms H183Y, H163Y, H76Y.
Identifiers: ClinVar variation 2152030 (VCV002152030.4), dbSNP rs2153477626, ClinGen allele CA367530904.

ClinVar aggregate classification (germline): Uncertain significance (1 of 4 stars; one submission).

Submission:

Labcorp Genetics (formerly Invitae), Labcorp
Classification: Uncertain significance. Last evaluated: 2022-04-28. Review status: criteria provided, single submitter. Criteria: Invitae Variant Classification Sherloc (09022015). Collection method: clinical testing. Allele origin: germline.
Comment: In summary, the available evidence is currently insufficient to determine the role of this variant in disease. Therefore, it has been classified as a Variant of Uncertain Significance. Experimental studies have shown that this missense change affects IKZF1 function (PMID: 29681510). Algorithms developed to predict the effect of variants on protein structure and function are not available or were not evaluated for this variant. This missense change has been observed in individual(s) with acute lymphoblastic leukemia (PMID: 29681510). This variant is not present in population databases (gnomAD no frequency). This sequence change replaces histidine, which is basic and polar, with tyrosine, which is neutral and polar, at codon 163 of the IKZF1 protein (p.His163Tyr).

Literature cited by the submitters: PubMed 29681510.